The following is an entry in ClinVar:

ClinVar aggregate classification (germline): Pathogenic (1 of 4 stars; one submission).

Conditions:
Gorlin syndrome. Also called: Basal cell nevus syndrome; Nevoid Basal Cell Carcinoma Syndrome. Identifiers: Orphanet 377, MedGen C0004779, MONDO:0007187.

Submission:

Labcorp Genetics (formerly Invitae), Labcorp
Classification: Pathogenic for Gorlin syndrome. Last evaluated: 2023-08-07. Review status: criteria provided, single submitter. Criteria: Invitae Variant Classification Sherloc (09022015). Collection method: clinical testing. Allele origin: germline.
Comment: This variant is not present in population databases (gnomAD no frequency). This sequence change creates a premature translational stop signal (p.Trp844*) in the PTCH1 gene. It is expected to result in an absent or disrupted protein product. Loss-of-function variants in PTCH1 are known to be pathogenic (PMID: 16301862, 16419085). This variant has not been reported in the literature in individuals affected with PTCH1-related conditions. For these reasons, this variant has been classified as Pathogenic.

Literature cited by the submitters: PubMed 16301862; PubMed 16419085.

NM_000264.5(PTCH1):c.2532G>A (p.Trp844Ter)

Genes: PTCH1 (patched 1; minus strand), LOC100507346 (uncharacterized LOC100507346; plus strand). Cytogenetic location: 9q22.32.
Variant type: single nucleotide variant.
Coding change: c.2532G>A on transcript NM_000264.5 (MANE Select); coding-DNA position 2532, G replaced by A.
Protein change: p.Trp844Ter; replaces tryptophan 844 with a stop codon.
Molecular consequence: nonsense. On other transcripts: non-coding transcript variant (2).
Genome position (GRCh38, 1-based): chr9:95,467,144, C>T on the plus strand (G>A on the coding strand, the complement: PTCH1 is on the minus strand). VCF-style: chr9-95467144-C-T. GRCh37 (hg19) VCF-style: chr9-98229426-C-T.
Other names: c.2334G>A, p.Trp778Ter (NM_001083602.3); c.2529G>A, p.Trp843Ter (NM_001083603.3); c.2079G>A, p.Trp693Ter (NM_001083604.3, NM_001083605.3, NM_001083606.3 and 1 more transcripts); c.2376G>A, p.Trp792Ter (NM_001354918.2); short protein forms W693*, W843*, W778*, W792*, W844*.
Identifiers: ClinVar variation 2750961 (VCV002750961.3), dbSNP rs1840077192, ClinGen allele CA374113769.
Genomic context (GRCh38, chr9:95,467,144, plus strand): 5'-CGAAAGGACGAGAGCCTCCCACGCCGTCTTACCCTGAAGCCAGTCTCTGAAGTAGTGCAG[C>T]CACATTTTGGGAAGCTGTTTGTTTTCTTCCAACATGACATACTTCACGTTACTGAAACTC-3'